The following is an entry in ClinVar:

ClinVar aggregate classification (germline): Uncertain significance. Review status: criteria provided, multiple submitters, no conflicts (2 of 4 stars). 2 submissions from 2 submitters: Uncertain significance (2). Last evaluated 2025-07-31.

Conditions:
Bloom syndrome (BLM). Also called: Bloom-Torre-Machacek syndrome. Identifiers: Orphanet 125, MedGen C0005859, MONDO:0008876, OMIM 210900.
Hereditary cancer-predisposing syndrome. Also called: Neoplastic Syndromes, Hereditary; Hereditary Cancer Syndrome; Tumor predisposition; Hereditary neoplastic syndrome. Identifiers: Orphanet 140162, MedGen C0027672, MeSH D009386, MONDO:0015356.

Allele frequency attached by ClinVar (database versions not stated): gnomAD exomes below 0.00001.
gnomAD v4.1: 1 of 1,585,090 alleles (0.000063%); highest among the groups gnomAD compares: Non-Finnish European, 0.000086%; no homozygotes.

Submissions (2):

Labcorp Genetics (formerly Invitae), Labcorp
Classification: Uncertain significance for Bloom syndrome. Last evaluated: 2025-07-31. Review status: criteria provided, single submitter. Criteria: Invitae Variant Classification Sherloc (09022015). Collection method: clinical testing. Allele origin: germline.
Comment: This sequence change replaces aspartic acid, which is acidic and polar, with glutamic acid, which is acidic and polar, at codon 562 of the BLM protein (p.Asp562Glu). This variant is not present in population databases (gnomAD no frequency). This variant has not been reported in the literature in individuals affected with BLM-related conditions. ClinVar contains an entry for this variant (Variation ID: 945850). Invitae Evidence Modeling of protein sequence and biophysical properties (such as structural, functional, and spatial information, amino acid conservation, physicochemical variation, residue mobility, and thermodynamic stability) indicates that this missense variant is not expected to disrupt BLM protein function with a negative predictive value of 80%. In summary, the available evidence is currently insufficient to determine the role of this variant in disease. Therefore, it has been classified as a Variant of Uncertain Significance.

Ambry Genetics
Classification: Uncertain significance for Hereditary cancer-predisposing syndrome. Last evaluated: 2025-06-20. Review status: criteria provided, single submitter. Criteria: Ambry Variant Classification Scheme 2023. Collection method: clinical testing. Allele origin: germline.
Comment: The p.D562E variant (also known as c.1686T>A), located in coding exon 6 of the BLM gene, results from a T to A substitution at nucleotide position 1686. The aspartic acid at codon 562 is replaced by glutamic acid, an amino acid with highly similar properties. This amino acid position is conserved. In addition, this alteration is predicted to be tolerated by in silico analysis. Since supporting evidence is limited at this time, the clinical significance of this alteration remains unclear.

NM_000057.4(BLM):c.1686T>A (p.Asp562Glu)

Gene: BLM (BLM RecQ like helicase; plus strand). Cytogenetic location: 15q26.1.
Variant type: single nucleotide variant.
Coding change: c.1686T>A on transcript NM_000057.4 (MANE Select); coding-DNA position 1686, T replaced by A.
Protein change: p.Asp562Glu; replaces aspartic acid 562 with glutamic acid.
Molecular consequence: missense variant.
Genome position (GRCh38, 1-based): chr15:90,761,059, T>A. VCF-style: chr15-90761059-T-A. GRCh37 (hg19) VCF-style: chr15-91304289-T-A.
Other names: c.1686T>A, p.Asp562Glu (NM_001287246.2, NM_001287247.2); c.561T>A, p.Asp187Glu (NM_001287248.2); short protein forms D562E, D187E.
Identifiers: ClinVar variation 945850 (VCV000945850.12), dbSNP rs1895971165, ClinGen allele CA393843615.